The following is an entry in ClinVar:

NM_000059.4(BRCA2):c.9569A>G (p.Lys3190Arg)

Gene: BRCA2 (BRCA2 DNA repair associated; plus strand). Cytogenetic location: 13q13.1.
Variant type: single nucleotide variant.
Coding change: c.9569A>G on transcript NM_000059.4 (MANE Select); coding-DNA position 9569, A replaced by G.
Protein change: p.Lys3190Arg; replaces lysine 3190 with arginine.
Molecular consequence: missense variant.
Genome position (GRCh38, 1-based): chr13:32,396,965, A>G. VCF-style: chr13-32396965-A-G. GRCh37 (hg19) VCF-style: chr13-32971102-A-G.
Other names: c.9473A>G, p.Lys3158Arg (NM_001406719.1); c.9518A>G, p.Lys3173Arg (NM_001406720.1); c.4637A>G, p.Lys1546Arg (NM_001406721.1); c.3152A>G, p.Lys1051Arg (NM_001406722.1); short protein forms K1546R, K1051R, K3158R, K3173R, K3190R.
Identifiers: ClinVar variation 1994757 (VCV001994757.4), dbSNP rs2137659202, ClinGen allele CA387763331.

ClinVar aggregate classification (germline): Uncertain significance (1 of 4 stars; one submission).

Conditions:
Hereditary breast ovarian cancer syndrome. Also called: BRCA1- and BRCA2-Associated Hereditary Breast and Ovarian Cancer; Hereditary breast and ovarian cancer; Hereditary breast and ovarian cancer syndrome (HBOC); Hereditary breast and/or ovarian cancer syndrome; Hereditary breast and ovarian cancer syndrome; Breast and ovarian cancer. Identifiers: Orphanet 145, MedGen C0677776, MeSH D061325, MONDO:0003582. Disease mechanism: loss of function.

Submission:

Labcorp Genetics (formerly Invitae), Labcorp
Classification: Uncertain significance for Hereditary breast ovarian cancer syndrome. Last evaluated: 2022-05-15. Review status: criteria provided, single submitter. Criteria: Invitae Variant Classification Sherloc (09022015). Collection method: clinical testing. Allele origin: germline.
Comment: In summary, the available evidence is currently insufficient to determine the role of this variant in disease. Therefore, it has been classified as a Variant of Uncertain Significance. Advanced modeling of protein sequence and biophysical properties (such as structural, functional, and spatial information, amino acid conservation, physicochemical variation, residue mobility, and thermodynamic stability) performed at Invitae indicates that this missense variant is not expected to disrupt BRCA2 protein function. This variant has not been reported in the literature in individuals affected with BRCA2-related conditions. This variant is not present in population databases (gnomAD no frequency). This sequence change replaces lysine, which is basic and polar, with arginine, which is basic and polar, at codon 3190 of the BRCA2 protein (p.Lys3190Arg).